The following is an entry in ClinVar:

NM_001927.4(DES):c.566G>A (p.Arg189Gln)

Gene: DES (desmin; plus strand). Cytogenetic location: 2q35.
Variant type: single nucleotide variant.
Coding change: c.566G>A on transcript NM_001927.4 (MANE Select); coding-DNA position 566, G replaced by A.
Protein change: p.Arg189Gln; replaces arginine 189 with glutamine.
Molecular consequence: missense variant.
Genome position (GRCh38, 1-based): chr2:219,419,028, G>A. VCF-style: chr2-219419028-G-A. GRCh37 (hg19) VCF-style: chr2-220283750-G-A.
Other names: c.566G>A (LRG_380t1); short protein forms R189Q.
Identifiers: ClinVar variation 422889 (VCV000422889.16), dbSNP rs1025323214, ClinGen allele CA16617478.

ClinVar aggregate classification (germline): Uncertain significance. Review status: criteria provided, multiple submitters, no conflicts (2 of 4 stars). 4 submissions from 4 submitters: Uncertain significance (4). Last evaluated 2026-01-27.

Conditions:
Cardiovascular phenotype. Identifiers: MedGen CN230736.
Desmin-related myofibrillar myopathy (MFM1). Also called: Desmin related myopathy (former name); Desmin storage myopathy (former name); MYOFIBRILLAR MYOPATHY WITH ARRHYTHMOGENIC RIGHT VENTRICULAR CARDIOMYOPATHY; DESMIN-RELATED MYOPATHY WITH ARRHYTHMOGENIC RIGHT VENTRICULAR CARDIOMYOPATHY; Myofibrillar myopathy 1; Desminopathy. Identifiers: Orphanet 363543, Orphanet 98909, MedGen C1832370, MONDO:0011076, OMIM 601419.

Allele frequency attached by ClinVar (database versions not stated): TOPMed 0.00001; gnomAD 0.00002 and 0.00003; gnomAD exomes 0.00002.
gnomAD v4.1: 51 of 1,542,084 alleles (0.0033%); highest among the groups gnomAD compares: Non-Finnish European, 0.0033%; no homozygotes.

Submissions (4):

Labcorp Genetics (formerly Invitae), Labcorp
Classification: Uncertain significance for Desmin-related myofibrillar myopathy. Last evaluated: 2026-01-27. Review status: criteria provided, single submitter. Criteria: Invitae Variant Classification Sherloc (09022015). Collection method: clinical testing. Allele origin: germline.
Comment: This sequence change replaces arginine, which is basic and polar, with glutamine, which is neutral and polar, at codon 189 of the DES protein (p.Arg189Gln). The frequency data for this variant in the population databases is considered unreliable, as metrics indicate poor data quality at this position in the gnomAD database. This variant has not been reported in the literature in individuals affected with DES-related conditions. ClinVar contains an entry for this variant (Variation ID: 422889). Invitae Evidence Modeling of protein sequence and biophysical properties (such as structural, functional, and spatial information, amino acid conservation, physicochemical variation, residue mobility, and thermodynamic stability) indicates that this missense variant is not expected to disrupt DES protein function with a negative predictive value of 80%. In summary, the available evidence is currently insufficient to determine the role of this variant in disease. Therefore, it has been classified as a Variant of Uncertain Significance.

Women's Health and Genetics/Laboratory Corporation of America, LabCorp
Classification: Uncertain significance. Last evaluated: 2025-02-08. Review status: criteria provided, single submitter. Criteria: LabCorp Variant Classification Summary - May 2015. Collection method: clinical testing. Allele origin: germline.

Ambry Genetics
Classification: Uncertain significance for Cardiovascular phenotype. Last evaluated: 2023-11-11. Review status: criteria provided, single submitter. Criteria: Ambry Variant Classification Scheme 2023. Collection method: clinical testing. Allele origin: germline.
Comment: The p.R189Q variant (also known as c.566G>A), located in coding exon 1 of the DES gene, results from a G to A substitution at nucleotide position 566. The arginine at codon 189 is replaced by glutamine, an amino acid with highly similar properties. This amino acid position is conserved. In addition, this alteration is predicted to be tolerated by in silico analysis. Since supporting evidence is limited at this time, the clinical significance of this alteration remains unclear.

GeneDx
Classification: Uncertain significance. Last evaluated: 2019-08-20. Review status: criteria provided, single submitter. Criteria: GeneDx Variant Classification Process June 2021. Collection method: clinical testing. Allele origin: germline. Affected: yes.
Comment: Has not been previously published as pathogenic or benign to our knowledge; Reported in ClinVar but additional evidence is not available (ClinVar Variant ID#422889; Landrum et al., 2016); In silico analysis, which includes protein predictors and evolutionary conservation, supports that this variant does not alter protein structure/function